The following is an entry in ClinVar:

NM_001142800.2(EYS):c.4352T>C (p.Ile1451Thr)

Gene: EYS (EGF-like photoreceptor maintenance factor; minus strand). Cytogenetic location: 6q12.
Variant type: single nucleotide variant.
Coding change: c.4352T>C on transcript NM_001142800.2 (MANE Select); coding-DNA position 4352, T replaced by C.
Protein change: p.Ile1451Thr; replaces isoleucine 1451 with threonine.
Molecular consequence: missense variant.
Genome position (GRCh38, 1-based): chr6:64,591,515, A>G on the plus strand (T>C on the coding strand, the complement: EYS is on the minus strand). VCF-style: chr6-64591515-A-G. GRCh37 (hg19) VCF-style: chr6-65301408-A-G.
Other names: p.I1451T:ATA>ACA; c.4352T>C (FM209056.1); c.4352T>C, p.Ile1451Thr (NM_001292009.2); short protein forms I1451T.
Identifiers: ClinVar variation 93612 (VCV000093612.26), dbSNP rs62415828, ClinGen allele CA147144.

ClinVar aggregate classification (germline): Benign/Likely benign. Review status: criteria provided, multiple submitters, no conflicts (2 of 4 stars). 11 submissions from 11 submitters: Benign (6); Likely benign (2). 3 of the submissions do not count toward it. Last evaluated 2026-02-04.

Conditions:
Retinal dystrophy. Also called: Inherited retinal dystrophy. Identifiers: Orphanet 71862, MedGen C0854723, MeSH D058499, MONDO:0019118, HP:0000556.
Retinitis pigmentosa (RP). Identifiers: Orphanet 791, MedGen C0035334, MeSH D012174, MONDO:0019200, OMIM 268000. Inheritance: Autosomal dominant, autosomal recessive and X linked inheritance.
Retinitis pigmentosa 25 (RP25). Identifiers: Orphanet 791, MedGen C1864446, MONDO:0011272, OMIM 602772.

Allele frequency attached by ClinVar (database versions not stated): ExAC 0.10359; gnomAD exomes 0.11880 and 0.13277; 1000 Genomes Project 30x 0.09260; gnomAD 0.09865 and 0.10103; ESP Exome Variant Server 0.10863; TOPMed 0.10471; 1000 Genomes Project 0.09405.
gnomAD v4.1: 200,593 of 1,550,906 alleles (13%); highest among the groups gnomAD compares: East Asian, 15%; 13,837 homozygotes.

Submissions (11):

Labcorp Genetics (formerly Invitae), Labcorp
Classification: Benign. Last evaluated: 2026-02-04. Review status: criteria provided, single submitter. Criteria: Invitae Variant Classification Sherloc (09022015). Collection method: clinical testing. Allele origin: germline.

Dept Of Ophthalmology, Nagoya University
Classification: Benign for Retinal dystrophy. Last evaluated: 2023-10-01. Review status: criteria provided, single submitter. Criteria: Submitter's publication. Collection method: research. Allele origin: germline. Affected: yes.

Women's Health and Genetics/Laboratory Corporation of America, LabCorp
Classification: Likely benign. Last evaluated: 2021-12-10. Review status: criteria provided, single submitter. Criteria: LabCorp Variant Classification Summary - May 2015. Collection method: clinical testing. Allele origin: germline.

Genome-Nilou Lab
Classification: Benign for Retinitis pigmentosa 25. Last evaluated: 2021-07-01. Review status: criteria provided, single submitter. Criteria: ACMG Guidelines, 2015. Collection method: clinical testing. Allele origin: germline. Affected: no.

Illumina Laboratory Services, Illumina
Classification: Benign for Retinitis pigmentosa. Last evaluated: 2018-01-13. Review status: criteria provided, single submitter. Criteria: ICSL Variant Classification Criteria 13 December 2019. Collection method: clinical testing. Allele origin: germline.
Comment: This variant was observed in the ICSL laboratory as part of a predisposition screen in an ostensibly healthy population. It had not been previously curated by ICSL or reported in the Human Gene Mutation Database (HGMD: prior to June 1st, 2018), and was therefore a candidate for classification through an automated scoring system. Utilizing variant allele frequency, disease prevalence and penetrance estimates, and inheritance mode, an automated score was calculated to assess if this variant is too frequent to cause the disease. Based on the score and internal cut-off values, a variant classified as benign is not then subjected to further curation. The score for this variant resulted in a classification of benign for this disease.

Eurofins Ntd Llc (ga)
Classification: Benign. Last evaluated: 2013-09-19. Review status: criteria provided, single submitter. Criteria: EGL Classification Definitions 2015. Collection method: clinical testing. Allele origin: germline. Observed: 4 variant alleles, 4 heterozygotes.

GeneDx
Classification: Benign. Last evaluated: 2011-08-11. Review status: criteria provided, single submitter. Criteria: GeneDx Variant Classification (06012015). Collection method: clinical testing. Allele origin: germline. Affected: yes.
Comment: This variant is considered likely benign or benign based on one or more of the following criteria: it is a conservative change, it occurs at a poorly conserved position in the protein, it is predicted to be benign by multiple in silico algorithms, and/or has population frequency not consistent with disease.

Breakthrough Genomics
Classification: Likely benign. Review status: criteria provided, single submitter. Criteria: ACMG Guidelines, 2015. Collection method: not provided. Allele origin: germline. Inheritance: Autosomal recessive inheritance. Affected: yes.

Natera, Inc.
Classification: Benign for Retinitis pigmentosa. Last evaluated: 2020-09-16. Review status: no assertion criteria provided. Collection method: clinical testing. Allele origin: germline. Not counted in ClinVar's aggregate classification.

Clinical Genetics DNA and cytogenetics Diagnostics Lab, Erasmus MC, Erasmus Medical Center
Classification: Likely benign. Review status: no assertion criteria provided. Collection method: clinical testing. Allele origin: germline. Affected: yes. Study: VKGL Data-share Consensus. Not counted in ClinVar's aggregate classification.

Joint Genome Diagnostic Labs from Nijmegen and Maastricht, Radboudumc and MUMC+
Classification: Benign. Review status: no assertion criteria provided. Collection method: clinical testing. Allele origin: germline. Affected: yes. Study: VKGL Data-share Consensus. Not counted in ClinVar's aggregate classification.